The following is an entry in ClinVar:

NM_001374385.1(ATP8B1):c.2201A>C (p.Asp734Ala)

Genes: ATP8B1 (ATPase phospholipid transporting 8B1; minus strand), ATP8B1-AS1 (ATP8B1 antisense RNA 1; plus strand). Cytogenetic location: 18q21.31.
Variant type: single nucleotide variant.
Coding change: c.2201A>C on transcript NM_001374385.1 (MANE Select); coding-DNA position 2201, A replaced by C.
Protein change: p.Asp734Ala; replaces aspartic acid 734 with alanine.
Molecular consequence: missense variant. On other transcripts: non-coding transcript variant (1).
Genome position (GRCh38, 1-based): chr18:57,668,437, T>G on the plus strand (A>C on the coding strand, the complement: ATP8B1 is on the minus strand). VCF-style: chr18-57668437-T-G. GRCh37 (hg19) VCF-style: chr18-55335669-T-G.
Other names: c.2051A>C, p.Asp684Ala (NM_001374386.1); c.2201A>C, p.Asp734Ala (NM_005603.6); short protein forms D684A, D734A.
Identifiers: ClinVar variation 4845936 (VCV004845936.1).

ClinVar aggregate classification (germline): Uncertain significance (1 of 4 stars; one submission).

Conditions:
Familial intrahepatic cholestasis. Identifiers: Orphanet 284385, MedGen CN296401, MONDO:0017290.

gnomAD v4.1: 9 of 1,604,608 alleles (0.00056%); highest among the groups gnomAD compares: Non-Finnish European, 0.00068%; no homozygotes.

Submission:

Genomenon, Inc
Classification: Uncertain significance for Familial intrahepatic cholestasis. Last evaluated: 2026-04-14. Review status: criteria provided, single submitter. Criteria: Genomenon Sequence Variant Interpretation Standards - Updated. Collection method: curation. Allele origin: germline. Affected: yes.
Comment: ATP8B1 p.Asp734Ala (c.2201A>C) is a missense variant that changes the amino acid at residue 734 from Aspartic acid to Alanine. This variant has been observed in at least one proband with features of ATP8B1-deficiency (PMID:21672103). It is absent or not present at a significant frequency in gnomAD. In silico models predict that this variant is possibly or probably damaging. In conclusion, we classify ATP8B1 p.Asp734Ala (c.2201A>C) as a variant of uncertain significance.

Literature cited by the submitters: PubMed 21672103.